The following is an entry in ClinVar:

ClinVar aggregate classification (germline): Conflicting classifications of pathogenicity. Review status: criteria provided, conflicting classifications (1 of 4 stars). 3 submissions from 3 submitters: Pathogenic (1); Uncertain significance (1). 1 of the submissions does not count toward it. Last evaluated 2022-10-29.

Conditions:
Inflammatory skin and bowel disease, neonatal, 2 (NNCIS). Identifiers: Orphanet 294023, MedGen C4015130, MONDO:0014481, OMIM 616069.
EGFR-related lung cancer (EGFR). Identifiers: MedGen CN130014.

Allele frequency attached by ClinVar (database versions not stated): gnomAD 0.00001.
gnomAD v4.1: 2 of 1,614,014 alleles (0.00012%); highest among the groups gnomAD compares: Non-Finnish European, 0.000085%; no homozygotes.

Submissions (3):

Labcorp Genetics (formerly Invitae), Labcorp
Classification: Pathogenic for EGFR-related lung cancer. Last evaluated: 2022-10-29. Review status: criteria provided, single submitter. Criteria: Invitae Variant Classification Sherloc (09022015). Collection method: clinical testing. Allele origin: germline.
Comment: This sequence change creates a premature translational stop signal (p.Arg98*) in the EGFR gene. It is expected to result in an absent or disrupted protein product. Loss-of-function variants in EGFR are known to be pathogenic (PMID: 7630400, 28726809, 29899996). This variant is not present in population databases (gnomAD no frequency). This premature translational stop signal has been observed in individual(s) with autosomal recessive EGFR-related conditions (PMID: 29899996). ClinVar contains an entry for this variant (Variation ID: 1684707). For these reasons, this variant has been classified as Pathogenic.

Mendelics
Classification: Uncertain significance. Last evaluated: 2022-05-04. Review status: criteria provided, single submitter. Criteria: Mendelics Assertion Criteria 2019. Collection method: clinical testing. Allele origin: germline.

OMIM
Classification: Pathogenic for NEONATAL NEPHROCUTANEOUS INFLAMMATORY SYNDROME. Last evaluated: 2024-08-26. Review status: no assertion criteria provided. Collection method: literature only. Allele origin: germline. Not counted in ClinVar's aggregate classification.

Literature cited by the submitters: PubMed 7630400 (cited by Labcorp Genetics (formerly Invitae), Labcorp); PubMed 28726809 (cited by Labcorp Genetics (formerly Invitae), Labcorp); PubMed 29899996 (cited by Labcorp Genetics (formerly Invitae), Labcorp and OMIM).

NM_005228.5(EGFR):c.292C>T (p.Arg98Ter)

Gene: EGFR (epidermal growth factor receptor; plus strand). Cytogenetic location: 7p11.2.
Variant type: single nucleotide variant.
Coding change: c.292C>T on transcript NM_005228.5 (MANE Select); coding-DNA position 292, C replaced by T.
Protein change: p.Arg98Ter; replaces arginine 98 with a stop codon.
Molecular consequence: nonsense. On other transcripts: intron variant (1).
Genome position (GRCh38, 1-based): chr7:55,143,356, C>T. VCF-style: chr7-55143356-C-T. GRCh37 (hg19) VCF-style: chr7-55211049-C-T.
Other names: c.292C>T, p.Arg98Ter (NM_001346897.2, NM_001346898.2, NM_001346899.2 and 3 more transcripts); c.133C>T, p.Arg45Ter (NM_001346900.2); c.89-12474C>T (NM_001346941.2); short protein forms R45*, R98*.
Identifiers: ClinVar variation 1684707 (VCV001684707.4), dbSNP rs1794575659, ClinGen allele CA367575725.